The following is an entry in ClinVar:

NM_004168.4(SDHA):c.793A>T (p.Ser265Cys)

Gene: SDHA (succinate dehydrogenase complex flavoprotein subunit A; plus strand). Cytogenetic location: 5p15.33.
Variant type: single nucleotide variant.
Coding change: c.793A>T on transcript NM_004168.4 (MANE Select); coding-DNA position 793, A replaced by T.
Protein change: p.Ser265Cys; replaces serine 265 with cysteine.
Molecular consequence: missense variant.
Genome position (GRCh38, 1-based): chr5:230,898, A>T. VCF-style: chr5-230898-A-T. GRCh37 (hg19) VCF-style: chr5-231013-A-T.
Other names: c.649A>T, p.Ser217Cys (NM_001294332.2); c.793A>T, p.Ser265Cys (NM_001330758.2); short protein forms S217C, S265C.
Identifiers: ClinVar variation 1521319 (VCV001521319.8), dbSNP rs2126567967, ClinGen allele CA359011584.

ClinVar aggregate classification (germline): Uncertain significance (1 of 4 stars; one submission).

Conditions:
Mitochondrial complex II deficiency, nuclear type 1. Also called: SUCCINATE CoQ REDUCTASE DEFICIENCY. Identifiers: Orphanet 3208, MedGen C5700310, MONDO:0100294, OMIM 252011.
Pheochromocytoma/paraganglioma syndrome 5. Also called: Paragangliomas 5; SDHA-Related Hereditary Paraganglioma-Pheochromocytoma Syndrome. Identifiers: Orphanet 29072, MedGen C3279992, MONDO:0013602, OMIM 614165.

Submission:

Labcorp Genetics (formerly Invitae), Labcorp
Classification: Uncertain significance for Pheochromocytoma/paraganglioma syndrome 5; Mitochondrial complex II deficiency, nuclear type 1. Last evaluated: 2021-03-29. Review status: criteria provided, single submitter. Criteria: Invitae Variant Classification Sherloc (09022015). Collection method: clinical testing. Allele origin: germline.
Comment: This sequence change replaces serine with cysteine at codon 265 of the SDHA protein (p.Ser265Cys). The serine residue is highly conserved and there is a moderate physicochemical difference between serine and cysteine. This variant is not present in population databases (ExAC no frequency). This variant has not been reported in the literature in individuals with SDHA-related conditions. Advanced modeling of protein sequence and biophysical properties (such as structural, functional, and spatial information, amino acid conservation, physicochemical variation, residue mobility, and thermodynamic stability) performed at Invitae indicates that this missense variant is not expected to disrupt SDHA protein function. In summary, the available evidence is currently insufficient to determine the role of this variant in disease. Therefore, it has been classified as a Variant of Uncertain Significance.